The following is an entry in ClinVar:

ClinVar aggregate classification (germline): Likely pathogenic (1 of 4 stars; one submission).

Conditions:
Kleefstra syndrome 2 (KLEFS2). Identifiers: MedGen C4540395, MONDO:0054701, OMIM 617768.

Submission:

MGZ Medical Genetics Center
Classification: Likely pathogenic for Kleefstra syndrome 2. Last evaluated: 2021-09-17. Review status: criteria provided, single submitter. Criteria: ACMG Guidelines, 2015. Collection method: clinical testing. Allele origin: germline. Affected: yes. Observed: 1 variant allele.
Comment: ACMG criteria applied: PVS1, PM2_SUP

NM_170606.3(KMT2C):c.12666+1G>A

Gene: KMT2C (lysine methyltransferase 2C; minus strand). Cytogenetic location: 7q36.1.
Variant type: single nucleotide variant.
Coding change: c.12666+1G>A on transcript NM_170606.3 (MANE Select); the canonical splice donor site of the intron after coding-DNA position 12666, G replaced by A.
Molecular consequence: splice donor variant.
Genome position (GRCh38, 1-based): chr7:152,151,441, C>T on the plus strand (G>A on the coding strand, the complement: KMT2C is on the minus strand). VCF-style: chr7-152151441-C-T. GRCh37 (hg19) VCF-style: chr7-151848526-C-T.
Identifiers: ClinVar variation 1710021 (VCV001710021.2), dbSNP rs2487614684, ClinGen allele CA370094379.